The following is an entry in ClinVar:

ClinVar aggregate classification (germline): Uncertain significance (1 of 4 stars; one submission).

Conditions:
Gorlin syndrome. Also called: Nevoid Basal Cell Carcinoma Syndrome; Basal cell nevus syndrome. Identifiers: Orphanet 377, MedGen C0004779, MONDO:0007187.

Submission:

Labcorp Genetics (formerly Invitae), Labcorp
Classification: Uncertain significance for Gorlin syndrome. Last evaluated: 2019-08-10. Review status: criteria provided, single submitter. Criteria: Invitae Variant Classification Sherloc (09022015). Collection method: clinical testing. Allele origin: germline.
Comment: This sequence change replaces threonine with isoleucine at codon 423 of the PTCH1 protein (p.Thr423Ile). The threonine residue is moderately conserved and there is a moderate physicochemical difference between threonine and isoleucine. This variant is not present in population databases (ExAC no frequency). This variant has not been reported in the literature in individuals with PTCH1-related conditions. Algorithms developed to predict the effect of missense changes on protein structure and function are either unavailable or do not agree on the potential impact of this missense change (SIFT: "Tolerated"; PolyPhen-2: "Probably Damaging"; Align-GVGD: "Class C0"). In summary, the available evidence is currently insufficient to determine the role of this variant in disease. Therefore, it has been classified as a Variant of Uncertain Significance.

NM_000264.5(PTCH1):c.1268C>T (p.Thr423Ile)

Gene: PTCH1 (patched 1; minus strand). Cytogenetic location: 9q22.32.
Variant type: single nucleotide variant.
Coding change: c.1268C>T on transcript NM_000264.5 (MANE Select); coding-DNA position 1268, C replaced by T.
Protein change: p.Thr423Ile; replaces threonine 423 with isoleucine.
Molecular consequence: missense variant. On other transcripts: non-coding transcript variant (1).
Genome position (GRCh38, 1-based): chr9:95,478,134, G>A on the plus strand (C>T on the coding strand, the complement: PTCH1 is on the minus strand). VCF-style: chr9-95478134-G-A. GRCh37 (hg19) VCF-style: chr9-98240416-G-A.
Other names: c.1070C>T, p.Thr357Ile (NM_001083602.3); c.1265C>T, p.Thr422Ile (NM_001083603.3); c.815C>T, p.Thr272Ile (NM_001083604.3, NM_001083605.3, NM_001083606.3 and 1 more transcripts); c.1268C>T, p.Thr423Ile (NM_001354918.2); short protein forms T357I, T272I, T423I, T422I.
Identifiers: ClinVar variation 936407 (VCV000936407.10), dbSNP rs1841228090, ClinGen allele CA374118860.